The following is an entry in ClinVar:

NM_001165963.4(SCN1A):c.4216G>T (p.Ala1406Ser)

Genes: SCN1A (sodium voltage-gated channel alpha subunit 1; minus strand), LOC102724058 (uncharacterized LOC102724058; plus strand). Cytogenetic location: 2q24.3.
Variant type: single nucleotide variant.
Coding change: c.4216G>T on transcript NM_001165963.4 (MANE Select); coding-DNA position 4216, G replaced by T.
Protein change: p.Ala1406Ser; replaces alanine 1406 with serine.
Molecular consequence: missense variant. On other transcripts: non-coding transcript variant (1).
Genome position (GRCh38, 1-based): chr2:166,002,540, C>A on the plus strand (G>T on the coding strand, the complement: SCN1A is on the minus strand). VCF-style: chr2-166002540-C-A. GRCh37 (hg19) VCF-style: chr2-166859050-C-A.
Other names: c.4132G>T, p.Ala1378Ser (NM_001165964.3, NM_001353957.2, NM_001353958.2); c.4216G>T, p.Ala1406Ser (NM_001202435.3, NM_001353948.2); c.4183G>T, p.Ala1395Ser (NM_001353949.2, NM_001353950.2, NM_001353951.2 and 2 more transcripts); c.4180G>T, p.Ala1394Ser (NM_001353954.2, NM_001353955.2); c.4129G>T, p.Ala1377Ser (NM_001353960.2); c.1774G>T, p.Ala592Ser (NM_001353961.2); short protein forms A1406S, A1395S, A1378S, A592S, A1377S, A1394S.
Identifiers: ClinVar variation 566436 (VCV000566436.9), dbSNP rs1559127505, ClinGen allele CA349050015.

ClinVar aggregate classification (germline): Likely pathogenic (1 of 4 stars; one submission).

Conditions:
Early-infantile DEE. Also called: Ohtahara syndrome; Early infantile epileptic encephalopathy; Early infantile epileptic encephalopathy with suppression bursts. Identifiers: Orphanet 1934, MedGen C0393706, MONDO:0800491.

Submission:

Labcorp Genetics (formerly Invitae), Labcorp
Classification: Likely pathogenic for Early-infantile DEE. Last evaluated: 2023-05-08. Review status: criteria provided, single submitter. Criteria: Invitae Variant Classification Sherloc (09022015). Collection method: clinical testing. Allele origin: germline.
Comment: This sequence change replaces alanine, which is neutral and non-polar, with serine, which is neutral and polar, at codon 1406 of the SCN1A protein (p.Ala1406Ser). This variant is not present in population databases (gnomAD no frequency). This missense change has been observed in individual(s) with clinical features of SCN1A-related conditions (Invitae). ClinVar contains an entry for this variant (Variation ID: 566436). Advanced modeling of protein sequence and biophysical properties (such as structural, functional, and spatial information, amino acid conservation, physicochemical variation, residue mobility, and thermodynamic stability) performed at Invitae indicates that this missense variant is expected to disrupt SCN1A protein function. This variant disrupts the p.Ala1406 amino acid residue in SCN1A. Other variant(s) that disrupt this residue have been determined to be pathogenic (PMID: 21868258; Invitae). This suggests that this residue is clinically significant, and that variants that disrupt this residue are likely to be disease-causing. In summary, the currently available evidence indicates that the variant is pathogenic, but additional data are needed to prove that conclusively. Therefore, this variant has been classified as Likely Pathogenic.

Literature cited by the submitters: PubMed 21868258.